The following is an entry in ClinVar:

ClinVar aggregate classification (germline): Pathogenic (1 of 4 stars; one submission).

Conditions:
Ataxia-telangiectasia syndrome (AT). Also called: AT, COMPLEMENTATION GROUP C; Ataxia telangiectasia (A-T); LOUIS-BAR SYNDROME; Ataxia-telangiectasia, complementation group D; Ataxia-telangiectasia, complementation group E; ATAXIA-TELANGIECTASIA, COMPLEMENTATION GROUP A. Identifiers: Orphanet 100, MedGen C0004135, MONDO:0008840, OMIM 208900.

Submission:

Labcorp Genetics (formerly Invitae), Labcorp
Classification: Pathogenic for Ataxia-telangiectasia syndrome. Last evaluated: 2022-02-18. Review status: criteria provided, single submitter. Criteria: Invitae Variant Classification Sherloc (09022015). Collection method: clinical testing. Allele origin: germline.
Comment: For these reasons, this variant has been classified as Pathogenic. Algorithms developed to predict the effect of sequence changes on RNA splicing suggest that this variant may disrupt the consensus splice site. This variant has not been reported in the literature in individuals affected with ATM-related conditions. This variant is not present in population databases (gnomAD no frequency). This sequence change creates a premature translational stop signal (p.Leu174Cysfs*4) in the ATM gene. It is expected to result in an absent or disrupted protein product. Loss-of-function variants in ATM are known to be pathogenic (PMID: 23807571, 25614872).

Literature cited by the submitters: PubMed 23807571; PubMed 25614872.

NM_000051.4(ATM):c.519_520insTG (p.Leu174fs)

Gene: ATM (ATM serine/threonine kinase; plus strand). Cytogenetic location: 11q22.3.
Variant type: Insertion.
Coding change: c.519_520insTG on transcript NM_000051.4 (MANE Select); coding-DNA positions 519 to 520, TG inserted.
Protein change: p.Leu174fs; shifts the reading frame from leucine 174.
Molecular consequence: frameshift variant.
Genome position: GRCh38 VCF-style: chr11-108243974-G-GGT. GRCh37 (hg19) VCF-style: chr11-108114701-G-GGT.
Other names: c.519_520insTG, p.Leu174fs (NM_001351834.2); short protein forms L174fs.
Identifiers: ClinVar variation 2098774 (VCV002098774.4), dbSNP rs2497129278, ClinGen allele CA2580083123.